The following is an entry in ClinVar:

ClinVar aggregate classification (germline): Pathogenic (1 of 4 stars; one submission).

Submission:

Labcorp Genetics (formerly Invitae), Labcorp
Classification: Pathogenic. Last evaluated: 2023-04-06. Review status: criteria provided, single submitter. Criteria: Invitae Variant Classification Sherloc (09022015). Collection method: clinical testing. Allele origin: unknown.
Comment: This variant has not been reported in the literature in individuals affected with MID1-related conditions. For these reasons, this variant has been classified as Pathogenic. This variant disrupts a region of the MID1 protein in which other variant(s) (p.His600Profs*12) have been determined to be pathogenic (PMID: 32926417; Invitae). This suggests that this is a clinically significant region of the protein, and that variants that disrupt it are likely to be disease-causing. This variant is a gross deletion of the genomic region encompassing exon(s) 8-10 of the MID1 gene, which includes the termination codon. This deletion extends beyond the assayed region for this gene and therefore may encompass additional genes. While this deletion is not anticipated to lead to nonsense mediated decay, it is expected to alter mRNA translation or result in a truncated protein product.

Literature cited by the submitters: PubMed 32926417.

NC_000023.10:g.(?_10417408)_(10427867_?)del

Gene: MID1 (midline 1; minus strand). Cytogenetic location: Xp22.2.
Variant type: Deletion.
Identifiers: ClinVar variation 3245811 (VCV003245811.1).